The following is an entry in ClinVar:

NM_017514.5(PLXNA3):c.1760T>C (p.Leu587Pro)

Gene: PLXNA3 (plexin A3; plus strand). Cytogenetic location: Xq28.
Variant type: single nucleotide variant.
Coding change: c.1760T>C on transcript NM_017514.5 (MANE Select); coding-DNA position 1760, T replaced by C.
Protein change: p.Leu587Pro; replaces leucine 587 with proline.
Molecular consequence: missense variant.
Genome position (GRCh38, 1-based): chrX:154,464,245, T>C. VCF-style: chrX-154464245-T-C. GRCh37 (hg19) VCF-style: chrX-153692588-T-C.
Other names: short protein forms L587P.
Identifiers: ClinVar variation 4985811 (VCV004985811.1).

ClinVar aggregate classification (germline): Uncertain significance (1 of 4 stars; one submission).

Conditions:
PLXNA3-related disorder. Also called: PLXNA3-related condition.

gnomAD v4.1: 2 of 1,207,173 alleles (0.00017%); highest among the groups gnomAD compares: Admixed American, 0.0022%; no homozygotes.

Submission:

PreventionGenetics, part of Exact Sciences
Classification: Uncertain significance for PLXNA3-related condition. Last evaluated: 2026-04-22. Review status: criteria provided, single submitter. Criteria: ACMG Guidelines, 2015. Collection method: clinical testing. Allele origin: germline.
Comment: The PLXNA3 c.1760T>C variant is predicted to result in the amino acid substitution p.Leu587Pro. To our knowledge, this variant has not been reported in the literature or in a large population database (gnomAD), indicating this variant is rare. At this time, the clinical significance of this variant is uncertain due to the absence of conclusive functional and genetic evidence.